The following is an entry in ClinVar:

ClinVar aggregate classification (germline): Pathogenic (1 of 4 stars; one submission).

Conditions:
Familial aortopathy. Identifiers: MedGen CN078214.

Submission:

Women's Health and Genetics/Laboratory Corporation of America, LabCorp
Classification: Pathogenic for Familial aortopathy. Last evaluated: 2026-03-31. Review status: criteria provided, single submitter. Criteria: LabCorp Variant Classification Summary - May 2015. Collection method: clinical testing. Allele origin: germline.
Comment: Variant summary: The variant involves the deletion of exon 32 in the COL3A1 gene. A presumed nomenclature of c.(2229+1_2230-1)_(2283+1_2284-1)del has been designated for the purposes of this classification. This Copy Number Variant (CNV) is predicted to result in an in-frame deletion within the triple helical region of this gene. Loss-of-function variants in this gene are known to be pathogenic. The variant was absent in 120596 control chromosomes in the gnomAD database (Structural Variants dataset 4). To our knowledge, no occurrence of c.(2229+1_2230-1)_(2283+1_2284-1)del in individuals affected with COL3A1-related conditions and no experimental evidence demonstrating its impact on protein function have been reported. However, several missense changes affecting conserved Gly residues in the deleted region have been reported in affected individuals (HGMD) and are classified as Pathogenic by our lab. No submitters have cited clinical-significance assessments for this variant to ClinVar. Based on the evidence outlined above, the variant was classified as pathogenic.

NC_000002.11:g.(189864304_189864567)_(189864622_189866122)del

Gene: COL3A1 (collagen type III alpha 1 chain; plus strand). Cytogenetic location: 2q32.2.
Variant type: Deletion.
Identifiers: ClinVar variation 4847225 (VCV004847225.1).